The following is an entry in ClinVar:

NM_000257.4(MYH7):c.757G>C (p.Gly253Arg)

Gene: MYH7 (myosin heavy chain 7; minus strand). Cytogenetic location: 14q11.2.
Variant type: single nucleotide variant.
Coding change: c.757G>C on transcript NM_000257.4 (MANE Select); coding-DNA position 757, G replaced by C.
Protein change: p.Gly253Arg; replaces glycine 253 with arginine.
Molecular consequence: missense variant.
Genome position (GRCh38, 1-based): chr14:23,431,457, C>G on the plus strand (G>C on the coding strand, the complement: MYH7 is on the minus strand). VCF-style: chr14-23431457-C-G. GRCh37 (hg19) VCF-style: chr14-23900666-C-G.
Other names: short protein forms G253R.
Identifiers: ClinVar variation 1316213 (VCV001316213.2), dbSNP rs2138681275, ClinGen allele CA389052114.

ClinVar aggregate classification (germline): Uncertain significance (1 of 4 stars; one submission).

Submission:

GeneDx
Classification: Uncertain significance. Last evaluated: 2019-08-06. Review status: criteria provided, single submitter. Criteria: GeneDx Variant Classification Process June 2021. Collection method: clinical testing. Allele origin: germline. Affected: yes.
Comment: Has not been previously published as pathogenic or benign to our knowledge; Not observed in large population cohorts (Lek et al., 2016); In silico analysis, which includes protein predictors and evolutionary conservation, supports a deleterious effect